The following is an entry in ClinVar:

ClinVar aggregate classification (germline): Conflicting classifications of pathogenicity. Review status: criteria provided, conflicting classifications (1 of 4 stars). 4 submissions from 4 submitters: Uncertain significance (1); Likely benign (2). 1 of the submissions does not count toward it. Last evaluated 2025-12-30.

Conditions:
MAGI2-related disorder. Also called: MAGI2-related condition.

Allele frequency attached by ClinVar (database versions not stated): 1000 Genomes Project 30x 0.00031; TOPMed 0.00080; gnomAD 0.00081; ESP Exome Variant Server 0.00092; gnomAD exomes 0.00113.
gnomAD v4.1: 1,764 of 1,614,108 alleles (0.11%); highest among the groups gnomAD compares: Non-Finnish European, 0.14%; 2 homozygotes.

Submissions (4):

Labcorp Genetics (formerly Invitae), Labcorp
Classification: Likely benign. Last evaluated: 2025-12-30. Review status: criteria provided, single submitter. Criteria: Invitae Variant Classification Sherloc (09022015). Collection method: clinical testing. Allele origin: germline.

Blueprint Genetics
Classification: Likely benign. Last evaluated: 2024-09-19. Review status: criteria provided, single submitter. Criteria: ACMG Guidelines, 2015. Collection method: clinical testing. Allele origin: germline.

Eurofins Ntd Llc (ga)
Classification: Uncertain significance. Last evaluated: 2015-01-12. Review status: criteria provided, single submitter. Criteria: EGL Classification Definitions 2015. Collection method: clinical testing. Allele origin: germline. Observed: 1 variant allele, 1 heterozygote.

PreventionGenetics, part of Exact Sciences
Classification: Likely benign for MAGI2-related condition. Last evaluated: 2019-05-14. Review status: no assertion criteria provided. Collection method: clinical testing. Allele origin: germline. Not counted in ClinVar's aggregate classification.
Comment: This variant is classified as likely benign based on ACMG/AMP sequence variant interpretation guidelines (Richards et al. 2015 PMID: 25741868, with internal and published modifications).

NM_012301.4(MAGI2):c.2454C>T (p.Arg818=)

Gene: MAGI2 (membrane associated guanylate kinase, WW and PDZ domain containing 2; minus strand). Cytogenetic location: 7q21.11.
Variant type: single nucleotide variant.
Coding change: c.2454C>T on transcript NM_012301.4 (MANE Select); coding-DNA position 2454, C replaced by T.
Protein change: p.Arg818=; no amino-acid change (arginine 818 retained).
Molecular consequence: synonymous variant.
Genome position (GRCh38, 1-based): chr7:78,168,058, G>A on the plus strand (C>T on the coding strand, the complement: MAGI2 is on the minus strand). VCF-style: chr7-78168058-G-A. GRCh37 (hg19) VCF-style: chr7-77797375-G-A.
Other names: c.2412C>T, p.Arg804= (NM_001301128.2).
Identifiers: ClinVar variation 194528 (VCV000194528.20), dbSNP rs148580718, ClinGen allele CA240545.